The following is an entry in ClinVar:

NM_018365.4(MNS1):c.1011+421C>T

Genes: MNS1 (meiosis specific nuclear structural 1; minus strand), TEX9 (testis expressed 9; plus strand). Cytogenetic location: 15q21.3.
Variant type: single nucleotide variant.
Coding change: c.1011+421C>T on transcript NM_018365.4 (MANE Select); 421 bases into the intron after coding-DNA position 1011, C replaced by T.
Molecular consequence: intron variant.
Genome position (GRCh38, 1-based): chr15:56,443,009, G>A on the plus strand (C>T on the coding strand, the complement: MNS1 is on the minus strand). VCF-style: chr15-56443009-G-A. GRCh37 (hg19) VCF-style: chr15-56735207-G-A.
Other names: c.*30-2662G>A (NM_001286449.2, NM_198524.3).
Identifiers: ClinVar variation 4880072 (VCV004880072.1).

ClinVar aggregate classification (germline): Uncertain significance (1 of 4 stars; one submission).

Conditions:
Primary ciliary dyskinesia. Also called: Ciliary dyskinesia. Identifiers: Orphanet 244, MedGen C0008780, MONDO:0016575, HP:0012265.

gnomAD v4.1: 1 of 151,946 alleles (0.00066%); highest among the groups gnomAD compares: African/African-American, 0.0024%; no homozygotes.

Submission:

Department of Human Genetics, Hannover Medical School
Classification: Uncertain significance for Primary Ciliary Dyskinesia. Last evaluated: 2026-04-01. Review status: criteria provided, single submitter. Criteria: ACMG Guidelines, 2015. Collection method: research. Allele origin: germline. Affected: no.
Comment: Classification performed by HerediClassify using the following criteria: ['PM1_supporting: Variant in mutational hotspot.', 'PM2_supporting: Variant occures does not occur as homozygous in gnomAD.', "PP4_moderate: The modified PICADAR socre of 6.0 exceeds threshold of 5 achieving 'strong' evidence strength."]